The following is an entry in ClinVar:

ClinVar aggregate classification (germline): Uncertain significance (1 of 4 stars; one submission).

Conditions:
Purine-nucleoside phosphorylase deficiency. Also called: NUCLEOSIDE PHOSPHORYLASE DEFICIENCY; Immunodeficiency due to purine nucleoside phosphorylase deficiency. Identifiers: Orphanet 760, MedGen C0268125, MONDO:0013171, OMIM 613179.

Submission:

Labcorp Genetics (formerly Invitae), Labcorp
Classification: Uncertain significance for Purine-nucleoside phosphorylase deficiency. Last evaluated: 2022-04-22. Review status: criteria provided, single submitter. Criteria: Invitae Variant Classification Sherloc (09022015). Collection method: clinical testing. Allele origin: germline.
Comment: In summary, the available evidence is currently insufficient to determine the role of this variant in disease. Therefore, it has been classified as a Variant of Uncertain Significance. Algorithms developed to predict the effect of missense changes on protein structure and function are either unavailable or do not agree on the potential impact of this missense change (SIFT: "Tolerated"; PolyPhen-2: "Probably Damaging"; Align-GVGD: "Class C0"). This variant has not been reported in the literature in individuals affected with PNP-related conditions. This variant is not present in population databases (gnomAD no frequency). This sequence change replaces threonine, which is neutral and polar, with isoleucine, which is neutral and non-polar, at codon 60 of the PNP protein (p.Thr60Ile).

NM_000270.4(PNP):c.179C>T (p.Thr60Ile)

Gene: PNP (purine nucleoside phosphorylase; plus strand). Cytogenetic location: 14q11.2.
Variant type: single nucleotide variant.
Coding change: c.179C>T on transcript NM_000270.4 (MANE Select); coding-DNA position 179, C replaced by T.
Protein change: p.Thr60Ile; replaces threonine 60 with isoleucine.
Molecular consequence: missense variant.
Genome position (GRCh38, 1-based): chr14:20,472,475, C>T. VCF-style: chr14-20472475-C-T. GRCh37 (hg19) VCF-style: chr14-20940634-C-T.
Other names: short protein forms T60I.
Identifiers: ClinVar variation 2129089 (VCV002129089.4), dbSNP rs2501830263, ClinGen allele CA389144817.